The following is an entry in ClinVar:

NM_001048174.2(MUTYH):c.1511T>A (p.Phe504Tyr)

Gene: MUTYH (mutY DNA glycosylase; minus strand). Cytogenetic location: 1p34.1.
Variant type: single nucleotide variant.
Coding change: c.1511T>A on transcript NM_001048174.2 (MANE Select); coding-DNA position 1511, T replaced by A.
Protein change: p.Phe504Tyr; replaces phenylalanine 504 with tyrosine.
Molecular consequence: missense variant. On other transcripts: non-coding transcript variant (7).
Genome position (GRCh38, 1-based): chr1:45,329,361, A>T on the plus strand (T>A on the coding strand, the complement: MUTYH is on the minus strand). VCF-style: chr1-45329361-A-T. GRCh37 (hg19) VCF-style: chr1-45795033-A-T.
Other names: c.1511T>A, p.Phe504Tyr (NM_001048171.2, NM_001048173.2, NM_001293195.2 and 6 more transcripts); c.1514T>A, p.Phe505Tyr (NM_001048172.2, NM_001407071.1, NM_001407078.1 and 1 more transcripts); c.1595T>A, p.Phe532Tyr (NM_001128425.2); c.1556T>A, p.Phe519Tyr (NM_001293190.2); c.1544T>A, p.Phe515Tyr (NM_001293191.2, NM_001407069.1, NM_001407077.1); c.1235T>A, p.Phe412Tyr (NM_001293192.2, NM_001293196.2, NM_001407091.1); c.1166T>A, p.Phe389Tyr (NM_001350650.2, NM_001350651.2, NM_001407082.1); c.1427T>A, p.Phe476Tyr (NM_001407075.1); and 5 more; short protein forms F412Y, F476Y, F490Y, F491Y, F518Y, F519Y, F532Y, F515Y.
Identifiers: ClinVar variation 4113416 (VCV004113416.1).
Genomic context (GRCh38, chr1:45,329,361, plus strand): 5'-AGGTGTCACTGGGCTGCACTGTTGAGGCTGTGTGCATCAGTGGAGATGTGAGACCGAAAG[A>T]AATTATCCAGGACTTGCTGGCCCATGCGGGGCTTTTTCCGACTGCACGGAGAGGACACCT-3'
Protein context (NP_001041639.1, residues 494-514): PRMGQQVLDN[Phe504Tyr]FRSHISTDAH

ClinVar aggregate classification (germline): Uncertain significance (1 of 4 stars; one submission).

Conditions:
Hereditary cancer-predisposing syndrome. Also called: Tumor predisposition; Neoplastic Syndromes, Hereditary; Hereditary neoplastic syndrome; Hereditary Cancer Syndrome. Identifiers: Orphanet 140162, MedGen C0027672, MeSH D009386, MONDO:0015356.

Submission:

Ambry Genetics
Classification: Uncertain significance for Hereditary cancer-predisposing syndrome. Last evaluated: 2025-08-27. Review status: criteria provided, single submitter. Criteria: Ambry Variant Classification Scheme 2023. Collection method: clinical testing. Allele origin: germline.
Comment: The p.F532Y variant (also known as c.1595T>A), located in coding exon 16 of the MUTYH gene, results from a T to A substitution at nucleotide position 1595. The phenylalanine at codon 532 is replaced by tyrosine, an amino acid with highly similar properties. This amino acid position is conserved. In addition, this alteration is predicted to be tolerated by in silico analysis. Based on the available evidence, the clinical significance of this variant remains unclear.